The following is an entry in ClinVar:

ClinVar aggregate classification (germline): Uncertain significance. Review status: criteria provided, multiple submitters, no conflicts (2 of 4 stars). 2 submissions from 2 submitters: Uncertain significance (2). Last evaluated 2026-06-25.

Allele frequency attached by ClinVar (database versions not stated): TOPMed 0.00001.

Submissions (2):

GeneDx
Classification: Uncertain significance. Last evaluated: 2026-06-25. Review status: criteria provided, single submitter. Criteria: GeneDx Variant Classification Process June 2021. Collection method: clinical testing. Allele origin: germline.
Comment: Not observed at significant frequency in large population cohorts (gnomAD); In silico analysis supports a deleterious effect on splicing; Has not been previously published as pathogenic or benign to our knowledge

Labcorp Genetics (formerly Invitae), Labcorp
Classification: Uncertain significance. Last evaluated: 2022-06-15. Review status: criteria provided, single submitter. Criteria: Invitae Variant Classification Sherloc (09022015). Collection method: clinical testing. Allele origin: germline.
Comment: This sequence change falls in intron 41 of the MYO18B gene. It does not directly change the encoded amino acid sequence of the MYO18B protein. It affects a nucleotide within the consensus splice site. This variant is not present in population databases (gnomAD no frequency). This variant has not been reported in the literature in individuals affected with MYO18B-related conditions. Variants that disrupt the consensus splice site are a relatively common cause of aberrant splicing (PMID: 17576681, 9536098). Algorithms developed to predict the effect of sequence changes on RNA splicing suggest that this variant may disrupt the consensus splice site. In summary, the available evidence is currently insufficient to determine the role of this variant in disease. Therefore, it has been classified as a Variant of Uncertain Significance.

Literature cited by the submitters: PubMed 17576681 (cited by Labcorp Genetics (formerly Invitae), Labcorp); PubMed 9536098 (cited by Labcorp Genetics (formerly Invitae), Labcorp).

NM_032608.7(MYO18B):c.6332+6T>C

Gene: MYO18B (myosin XVIIIB; plus strand). Cytogenetic location: 22q12.1.
Variant type: single nucleotide variant.
Coding change: c.6332+6T>C on transcript NM_032608.7 (MANE Select); 6 bases into the intron after coding-DNA position 6332, T replaced by C.
Molecular consequence: intron variant.
Genome position (GRCh38, 1-based): chr22:26,003,315, T>C. VCF-style: chr22-26003315-T-C. GRCh37 (hg19) VCF-style: chr22-26399281-T-C.
Other names: c.6335+6T>C (NM_001318245.2).
Identifiers: ClinVar variation 1940001 (VCV001940001.4), dbSNP rs1447330432, ClinGen allele CA751955372.
Genomic context (GRCh38, chr22:26,003,315, plus strand): 5'-CTCTTACTAGTGTCCAGACGGCAGTGGATTGTGGCAGCAGCGGCCGAAAAGAGATGTAAG[T>C]TAACCCCAGGTAGAACTGAGCAGCTCACAAGGGTGAGCCCCTGGCTCTCTCTGTCCAGTT-3'